The following is an entry in ClinVar:

NM_000497.4(CYP11B1):c.1399-1G>C

Genes: CYP11B1 (cytochrome P450 family 11 subfamily B member 1; minus strand), LOC106799833 (CYP11B1 recombination region; plus strand). Cytogenetic location: 8q24.3.
Variant type: single nucleotide variant.
Coding change: c.1399-1G>C on transcript NM_000497.4 (MANE Select); the canonical splice acceptor site of the intron before coding-DNA position 1399, G replaced by C.
Molecular consequence: splice acceptor variant.
Genome position (GRCh38, 1-based): chr8:142,874,487, C>G on the plus strand (G>C on the coding strand, the complement: CYP11B1 is on the minus strand). VCF-style: chr8-142874487-C-G. GRCh37 (hg19) VCF-style: chr8-143955903-C-G.
Other names: c.1201-1G>C (NM_001026213.1).
Identifiers: ClinVar variation 2681084 (VCV002681084.2), dbSNP rs2488674652, ClinGen allele CA372391138.

ClinVar aggregate classification (germline): Conflicting classifications of pathogenicity. Review status: criteria provided, conflicting classifications (1 of 4 stars). 2 submissions from 2 submitters: Likely pathogenic (1); Uncertain significance (1). Last evaluated 2025-12-02.

Conditions:
Deficiency of steroid 11-beta-monooxygenase (CYP11B1). Also called: P450C11B1 DEFICIENCY; STEROID 11-BETA-HYDROXYLASE DEFICIENCY; Congenital adrenal hyperplasia due to 11-beta-hydroxylase deficiency; ADRENAL HYPERPLASIA IV; ADRENAL HYPERPLASIA, CONGENITAL, DUE TO STEROID 11-BETA-HYDROXYLASE DEFICIENCY; 11-BETA-HYDROXYLASE DEFICIENCY. Identifiers: Orphanet 90795, MedGen C0268292, MONDO:0008729, OMIM 202010. Disease mechanism: loss of function.

Submissions (2):

Labcorp Genetics (formerly Invitae), Labcorp
Classification: Uncertain significance. Last evaluated: 2025-12-02. Review status: criteria provided, single submitter. Criteria: Invitae Variant Classification Sherloc (09022015). Collection method: clinical testing. Allele origin: germline.
Comment: This sequence change affects an acceptor splice site in intron 8 of the CYP11B1 gene. While this variant is not anticipated to result in nonsense mediated decay, it likely alters RNA splicing and results in a disrupted protein product. This variant is not present in population databases (gnomAD no frequency). This variant has not been reported in the literature in individuals affected with CYP11B1-related conditions. ClinVar contains an entry for this variant (Variation ID: 2681084). Variants that disrupt the consensus splice site are a relatively common cause of aberrant splicing (PMID: 17576681, 9536098). Algorithms developed to predict the effect of sequence changes on RNA splicing suggest that this variant may disrupt the consensus splice site. In summary, the available evidence is currently insufficient to determine the role of this variant in disease. Therefore, it has been classified as a Variant of Uncertain Significance.

Baylor Genetics
Classification: Likely pathogenic for Deficiency of steroid 11-beta-monooxygenase. Last evaluated: 2023-06-12. Review status: criteria provided, single submitter. Criteria: ACMG Guidelines, 2015. Collection method: clinical testing. Allele origin: unknown.

Literature cited by the submitters: PubMed 17576681 (cited by Labcorp Genetics (formerly Invitae), Labcorp); PubMed 9536098 (cited by Labcorp Genetics (formerly Invitae), Labcorp).